The following is an entry in ClinVar:

NM_000350.3(ABCA4):c.1532G>A (p.Arg511His)

Gene: ABCA4 (ATP binding cassette subfamily A member 4; minus strand). Cytogenetic location: 1p22.1.
Variant type: single nucleotide variant.
Coding change: c.1532G>A on transcript NM_000350.3 (MANE Select); coding-DNA position 1532, G replaced by A.
Protein change: p.Arg511His; replaces arginine 511 with histidine.
Molecular consequence: missense variant.
Genome position (GRCh38, 1-based): chr1:94,077,712, C>T on the plus strand (G>A on the coding strand, the complement: ABCA4 is on the minus strand). VCF-style: chr1-94077712-C-T. GRCh37 (hg19) VCF-style: chr1-94543268-C-T.
Other names: c.1532G>A, p.Arg511His (NM_001425324.1); short protein forms R511H.
Identifiers: ClinVar variation 283387 (VCV000283387.64), dbSNP rs140482171, ClinGen allele CA958501.

ClinVar aggregate classification (germline): Conflicting classifications of pathogenicity. Review status: criteria provided, conflicting classifications (1 of 4 stars). 10 submissions from 10 submitters: Uncertain significance (6); Benign (1); Likely benign (2). 1 of the submissions does not count toward it. Last evaluated 2026-04-01.

Conditions:
ABCA4-related disorder. Also called: ABCA4-related disorders; ABCA4-related condition. Identifiers: MedGen CN239167.
Retinal dystrophy. Also called: Inherited retinal dystrophy. Identifiers: Orphanet 71862, MedGen C0854723, MeSH D058499, MONDO:0019118, HP:0000556.
Stargardt disease (FFM). Also called: Fundus flavimaculatus; Stargardt's disease. Identifiers: Orphanet 827, MedGen C0271093, MONDO:0019353.
Severe early-childhood-onset retinal dystrophy (STGD1). Also called: MACULAR DYSTROPHY WITH FLECKS, TYPE 1; STGD; Stargardt macular dystrophy; Juvenile onset macular degeneration; Stargardt disease 1. Identifiers: Orphanet 364055, Orphanet 827, MedGen C1855465, MeSH D000080362, MONDO:0009549, OMIM 248200.

Allele frequency attached by ClinVar (database versions not stated): 1000 Genomes Project 30x 0.00031; gnomAD 0.00037 and 0.00048; 1000 Genomes Project 0.00040; TOPMed 0.00041; ESP Exome Variant Server 0.00046; gnomAD exomes 0.00078; ExAC 0.00081.
gnomAD v4.1: 1,293 of 1,613,274 alleles (0.08%); highest among the groups gnomAD compares: South Asian, 0.46%; 8 homozygotes.

Submissions (10):

CeGaT Center for Human Genetics Tuebingen
Classification: Likely benign. Last evaluated: 2026-04-01. Review status: criteria provided, single submitter. Criteria: CeGaT Center For Human Genetics Tuebingen Variant Classification Criteria Version 2. Collection method: clinical testing. Allele origin: germline. Affected: yes. Observed: 4 variant alleles.
Comment: ABCA4: PM5, BP4, BS2

Labcorp Genetics (formerly Invitae), Labcorp
Classification: Benign. Last evaluated: 2026-01-26. Review status: criteria provided, single submitter. Criteria: Invitae Variant Classification Sherloc (09022015). Collection method: clinical testing. Allele origin: germline.

PreventionGenetics, part of Exact Sciences
Classification: Likely benign for ABCA4-related condition. Last evaluated: 2026-01-26. Review status: criteria provided, single submitter. Criteria: ACMG Guidelines, 2015. Collection method: clinical testing. Allele origin: germline.
Comment: This variant is classified as likely benign based on ACMG/AMP sequence variant interpretation guidelines (Richards et al. 2015 PMID: 25741868, with internal and published modifications).

GeneDx
Classification: Uncertain significance. Last evaluated: 2025-03-18. Review status: criteria provided, single submitter. Criteria: GeneDx Variant Classification Process June 2021. Collection method: clinical testing. Allele origin: germline. Affected: yes.
Comment: In silico analysis indicates that this missense variant does not alter protein structure/function; This variant is associated with the following publications: (PMID: 32581362, 35120629, 25082885, 22661472, 37734845)

Dept Of Ophthalmology, Nagoya University
Classification: Uncertain significance for Retinal dystrophy. Last evaluated: 2023-10-01. Review status: criteria provided, single submitter. Criteria: Submitter's publication. Collection method: research. Allele origin: germline. Affected: yes.

Department of Pathology and Laboratory Medicine, Sinai Health System
Classification: Uncertain significance for Severe early-childhood-onset retinal dystrophy. Last evaluated: 2022-03-16. Review status: criteria provided, single submitter. Criteria: ACMG Guidelines, 2015. Collection method: research. Allele origin: germline.

Institute of Human Genetics, Univ. Regensburg, Univ. Regensburg
Classification: Uncertain significance for Retinal dystrophy. Last evaluated: 2022-01-01. Review status: criteria provided, single submitter. Criteria: ACMG Guidelines, 2015. Collection method: clinical testing. Allele origin: germline. Affected: yes.

Illumina Laboratory Services, Illumina
Classification: Uncertain significance for ABCA4-Related Disorders. Last evaluated: 2018-01-12. Review status: criteria provided, single submitter. Criteria: ICSL Variant Classification Criteria 13 December 2019. Collection method: clinical testing. Allele origin: germline.

Eurofins Ntd Llc (ga)
Classification: Uncertain significance. Last evaluated: 2016-10-07. Review status: criteria provided, single submitter. Criteria: EGL Classification Definitions 2015. Collection method: clinical testing. Allele origin: germline. Observed: 2 variant alleles, 2 heterozygotes.

NIHR Bioresource Rare Diseases, University of Cambridge
Classification: Likely pathogenic. Last evaluated: 2015-01-01. Review status: no assertion criteria provided. Collection method: research. Allele origin: unknown. Affected: yes. Observed: 1 variant allele. Not counted in ClinVar's aggregate classification.

Literature cited by the submitters: PubMed 22661472 (cited by 3 submitters); PubMed 25082885 (cited by Institute of Human Genetics, Univ. Regensburg, Univ. Regensburg and Eurofins Ntd Llc (ga)); PubMed 32581362 (cited by Institute of Human Genetics, Univ. Regensburg, Univ. Regensburg); PubMed 28041643 (cited by NIHR Bioresource Rare Diseases, University of Cambridge).